The following is an entry in ClinVar:

ClinVar aggregate classification (germline): Conflicting classifications of pathogenicity. Review status: criteria provided, conflicting classifications (1 of 4 stars). 3 submissions from 3 submitters: Uncertain significance (2); Likely benign (1). Last evaluated 2026-01-06.

Conditions:
IL23R-related disorder. Also called: IL23R-related condition.

Allele frequency attached by ClinVar (database versions not stated): gnomAD exomes 0.00006 and 0.00009; ExAC 0.00009; TOPMed 0.00013; gnomAD 0.00014 and 0.00015; 1000 Genomes Project 30x 0.00062; 1000 Genomes Project 0.00080.

Submissions (3):

Labcorp Genetics (formerly Invitae), Labcorp
Classification: Uncertain significance. Last evaluated: 2026-01-06. Review status: criteria provided, single submitter. Criteria: Invitae Variant Classification Sherloc (09022015). Collection method: clinical testing. Allele origin: germline.
Comment: This sequence change replaces proline, which is neutral and non-polar, with leucine, which is neutral and non-polar, at codon 464 of the IL23R protein (p.Pro464Leu). This variant is present in population databases (rs138098976, gnomAD 0.04%). This variant has not been reported in the literature in individuals affected with IL23R-related conditions. ClinVar contains an entry for this variant (Variation ID: 1497954). An algorithm developed to predict the effect of missense changes on protein structure and function outputs the following: PolyPhen-2: "Benign". The leucine amino acid residue is found in multiple mammalian species, which suggests that this missense change does not adversely affect protein function. In summary, the available evidence is currently insufficient to determine the role of this variant in disease. Therefore, it has been classified as a Variant of Uncertain Significance.

Blueprint Genetics
Classification: Likely benign. Last evaluated: 2024-11-01. Review status: criteria provided, single submitter. Criteria: ACMG Guidelines, 2015. Collection method: clinical testing. Allele origin: germline.

PreventionGenetics, part of Exact Sciences
Classification: Uncertain significance for IL23R-related condition. Last evaluated: 2022-12-14. Review status: criteria provided, single submitter. Criteria: ACMG Guidelines, 2015. Collection method: clinical testing. Allele origin: germline.
Comment: The IL23R c.1391C>T variant is predicted to result in the amino acid substitution p.Pro464Leu. To our knowledge, this variant has not been reported in the literature. This variant is reported in 0.040% of alleles in individuals of Latino descent in gnomAD. At this time, the clinical significance of this variant is uncertain due to the absence of conclusive functional and genetic evidence.

NM_144701.3(IL23R):c.1391C>T (p.Pro464Leu)

Gene: IL23R (interleukin 23 receptor; plus strand). Cytogenetic location: 1p31.3.
Variant type: single nucleotide variant.
Coding change: c.1391C>T on transcript NM_144701.3 (MANE Select); coding-DNA position 1391, C replaced by T.
Protein change: p.Pro464Leu; replaces proline 464 with leucine.
Molecular consequence: missense variant.
Genome position (GRCh38, 1-based): chr1:67,258,629, C>T. VCF-style: chr1-67258629-C-T. GRCh37 (hg19) VCF-style: chr1-67724312-C-T.
Other names: c.1391C>T (NM_144701.2); short protein forms P464L.
Identifiers: ClinVar variation 1497954 (VCV001497954.8), dbSNP rs138098976, ClinGen allele CA900006.